The following is an entry in ClinVar:

NM_000168.6(GLI3):c.3422_3446del (p.Gln1141fs)

Gene: GLI3 (GLI family zinc finger 3; minus strand). Cytogenetic location: 7p14.1.
Variant type: Deletion.
Coding change: c.3422_3446del on transcript NM_000168.6 (MANE Select); coding-DNA positions 3422 to 3446, 25 bases deleted (AGCAGTTCCATGCCCTCGAGCAGCC).
Protein change: p.Gln1141fs; shifts the reading frame from glutamine 1141.
Molecular consequence: frameshift variant.
Genome position (GRCh38, 1-based): chr7:41,965,627-41,965,651, GGCTGCTCGAGGGCATGGAACTGCT deleted on the plus strand (AGCAGTTCCATGCCCTCGAGCAGCC on the coding strand, the reverse complement: GLI3 is on the minus strand); deleting any 25 consecutive bases within chr7:41,965,627-41,965,654 gives the same sequence; the c. name uses the placement nearest the transcript's 3' end. VCF-style (leftmost placement, unchanged base first): chr7-41965626-GGGCTGCTCGAGGGCATGGAACTGCT-G. GRCh37 (hg19) VCF-style: chr7-42005224-GGGCTGCTCGAGGGCATGGAACTGCT-G.
Other names: short protein forms Q1141fs.
Identifiers: ClinVar variation 4786901 (VCV004786901.1).

ClinVar aggregate classification (germline): Pathogenic (1 of 4 stars; one submission).

Conditions:
Pallister-Hall syndrome (PHS). Also called: GLI3-Related Pallister-Hall Syndrome; HYPOTHALAMIC HAMARTOBLASTOMA, HYPOPITUITARISM, IMPERFORATE ANUS, AND POSTAXIAL POLYDACTYLY. Identifiers: Orphanet 672, MedGen C0265220, MONDO:0007804, OMIM 146510.
Greig cephalopolysyndactyly syndrome (GCPS). Also called: POLYSYNDACTYLY WITH PECULIAR SKULL SHAPE; Greig syndrome; GLI3-Related Greig Cephalopolysyndactyly Syndrome. Identifiers: Orphanet 380, MedGen C0265306, MONDO:0008287, OMIM 175700.

Submission:

Labcorp Genetics (formerly Invitae), Labcorp
Classification: Pathogenic for Pallister-Hall syndrome; Greig cephalopolysyndactyly syndrome. Last evaluated: 2026-01-25. Review status: criteria provided, single submitter. Criteria: Invitae Variant Classification Sherloc (09022015). Collection method: clinical testing. Allele origin: germline.
Comment: This sequence change creates a premature translational stop signal (p.Gln1141Profs*57) in the GLI3 gene. While this is not anticipated to result in nonsense mediated decay, it is expected to disrupt the last 440 amino acid(s) of the GLI3 protein. This variant is not present in population databases (gnomAD no frequency). This variant has not been reported in the literature in individuals affected with GLI3-related conditions. This variant disrupts a region of the GLI3 protein in which other variant(s) (p.Thr1488Lysfs*23) have been determined to be pathogenic (PMID: 24736735). This suggests that this is a clinically significant region of the protein, and that variants that disrupt it are likely to be disease-causing. For these reasons, this variant has been classified as Pathogenic.

Literature cited by the submitters: PubMed 24736735.